The following is an entry in ClinVar:

ClinVar aggregate classification (germline): Uncertain significance (1 of 4 stars; one submission).

Submission:

Women's Health and Genetics/Laboratory Corporation of America, LabCorp
Classification: Uncertain significance. Last evaluated: 2026-03-18. Review status: criteria provided, single submitter. Criteria: LabCorp Variant Classification Summary - May 2015. Collection method: clinical testing. Allele origin: germline.
Comment: Variant summary: CASR c.2642T>C (p.Phe881Ser) results in a non-conservative amino acid change in the encoded protein sequence. Algorithms developed to predict the effect of missense changes on protein structure and function all suggest that this variant is likely to be disruptive. The variant was absent in 251114 control chromosomes. The available data on variant occurrences in the general population are insufficient to allow any conclusion about variant significance. To our knowledge, no occurrence of c.2642T>C in individuals affected with CASR-related conditions and no experimental evidence demonstrating its impact on protein function have been reported. No submitters have cited clinical-significance assessments for this variant to ClinVar. Based on the evidence outlined above, the variant was classified as uncertain significance.

NM_000388.4(CASR):c.2642T>C (p.Phe881Ser)

Gene: CASR (calcium sensing receptor; plus strand). Cytogenetic location: 3q21.1.
Variant type: single nucleotide variant.
Coding change: c.2642T>C on transcript NM_000388.4 (MANE Select); coding-DNA position 2642, T replaced by C.
Protein change: p.Phe881Ser; replaces phenylalanine 881 with serine.
Molecular consequence: missense variant.
Genome position (GRCh38, 1-based): chr3:122,284,596, T>C. VCF-style: chr3-122284596-T-C. GRCh37 (hg19) VCF-style: chr3-122003443-T-C.
Other names: c.2672T>C, p.Phe891Ser (NM_001178065.2); short protein forms F881S, F891S.
Identifiers: ClinVar variation 4847120 (VCV004847120.1).